The following is an entry in ClinVar:

NM_020778.5(ALPK3):c.1603A>C (p.Thr535Pro)

Genes: ALPK3 (alpha kinase 3; plus strand), LOC111718493 (skeletal muscle cis-regulatory module overlapping ALPK3; plus strand). Cytogenetic location: 15q25.3.
Variant type: single nucleotide variant.
Coding change: c.1603A>C on transcript NM_020778.5 (MANE Select); coding-DNA position 1603, A replaced by C.
Protein change: p.Thr535Pro; replaces threonine 535 with proline.
Molecular consequence: missense variant.
Genome position (GRCh38, 1-based): chr15:84,840,882, A>C. VCF-style: chr15-84840882-A-C. GRCh37 (hg19) VCF-style: chr15-85384113-A-C.
Other names: c.2209A>C (NM_020778.4); short protein forms T535P.
Identifiers: ClinVar variation 2094687 (VCV002094687.5), dbSNP rs1284994647, ClinGen allele CA393376083.

ClinVar aggregate classification (germline): Uncertain significance. Review status: criteria provided, multiple submitters, no conflicts (2 of 4 stars). 2 submissions from 2 submitters: Uncertain significance (2). Last evaluated 2026-04-07.

Conditions:
ALPK3-related disorder. Also called: ALPK3-related condition.

Allele frequency attached by ClinVar (database versions not stated): gnomAD 0.00001; TOPMed 0.00001.
gnomAD v4.1: 2 of 1,613,130 alleles (0.00012%); highest among the groups gnomAD compares: African/African-American, 0.0027%; no homozygotes.

Submissions (2):

PreventionGenetics, part of Exact Sciences
Classification: Uncertain significance for ALPK3-related condition. Last evaluated: 2026-04-07. Review status: criteria provided, single submitter. Criteria: ACMG Guidelines, 2015. Collection method: clinical testing. Allele origin: germline.
Comment: The ALPK3 c.2209A>C variant is predicted to result in the amino acid substitution p.Thr737Pro. To our knowledge, this variant has not been reported in the literature. This variant is reported in 0.011% of alleles in individuals of African descent in gnomAD. At this time, the clinical significance of this variant is uncertain due to the absence of conclusive functional and genetic evidence.

Labcorp Genetics (formerly Invitae), Labcorp
Classification: Uncertain significance. Last evaluated: 2025-01-17. Review status: criteria provided, single submitter. Criteria: Invitae Variant Classification Sherloc (09022015). Collection method: clinical testing. Allele origin: germline.
Comment: This sequence change replaces threonine, which is neutral and polar, with proline, which is neutral and non-polar, at codon 737 of the ALPK3 protein (p.Thr737Pro). This variant is present in population databases (no rsID available, gnomAD 0.01%). This variant has not been reported in the literature in individuals affected with ALPK3-related conditions. ClinVar contains an entry for this variant (Variation ID: 2094687). Invitae Evidence Modeling of protein sequence and biophysical properties (such as structural, functional, and spatial information, amino acid conservation, physicochemical variation, residue mobility, and thermodynamic stability) indicates that this missense variant is not expected to disrupt ALPK3 protein function with a negative predictive value of 80%. In summary, the available evidence is currently insufficient to determine the role of this variant in disease. Therefore, it has been classified as a Variant of Uncertain Significance.